The following is an entry in ClinVar:

ClinVar aggregate classification (germline): Uncertain significance. Review status: criteria provided, multiple submitters, no conflicts (2 of 4 stars). 2 submissions from 2 submitters: Uncertain significance (2). Last evaluated 2024-04-22.

Allele frequency attached by ClinVar (database versions not stated): gnomAD exomes below 0.00001; TOPMed below 0.00001; ExAC 0.00002.
gnomAD v4.1: 8 of 1,613,832 alleles (0.0005%); highest among the groups gnomAD compares: Middle Eastern, 0.033%; no homozygotes.

Submissions (2):

Blueprint Genetics
Classification: Uncertain significance. Last evaluated: 2024-04-22. Review status: criteria provided, single submitter. Criteria: ACMG Guidelines, 2015. Collection method: clinical testing. Allele origin: germline.

Labcorp Genetics (formerly Invitae), Labcorp
Classification: Uncertain significance. Last evaluated: 2022-01-11. Review status: criteria provided, single submitter. Criteria: Invitae Variant Classification Sherloc (09022015). Collection method: clinical testing. Allele origin: germline.
Comment: This variant has not been reported in the literature in individuals affected with MCM3AP-related conditions. This sequence change replaces alanine, which is neutral and non-polar, with valine, which is neutral and non-polar, at codon 1104 of the MCM3AP protein (p.Ala1104Val). This variant is present in population databases (rs747316533, gnomAD 0.003%). Algorithms developed to predict the effect of missense changes on protein structure and function are either unavailable or do not agree on the potential impact of this missense change (SIFT: "Deleterious"; PolyPhen-2: "Probably Damaging"; Align-GVGD: "Class C0"). In summary, the available evidence is currently insufficient to determine the role of this variant in disease. Therefore, it has been classified as a Variant of Uncertain Significance.

NM_003906.5(MCM3AP):c.3311C>T (p.Ala1104Val)

Gene: MCM3AP (minichromosome maintenance complex component 3 associated protein; minus strand). Cytogenetic location: 21q22.3.
Variant type: single nucleotide variant.
Coding change: c.3311C>T on transcript NM_003906.5 (MANE Select); coding-DNA position 3311, C replaced by T.
Protein change: p.Ala1104Val; replaces alanine 1104 with valine.
Molecular consequence: missense variant.
Genome position (GRCh38, 1-based): chr21:46,264,141, G>A on the plus strand (C>T on the coding strand, the complement: MCM3AP is on the minus strand). VCF-style: chr21-46264141-G-A. GRCh37 (hg19) VCF-style: chr21-47684055-G-A.
Other names: short protein forms A1104V.
Identifiers: ClinVar variation 1910315 (VCV001910315.6), dbSNP rs747316533, ClinGen allele CA10076544.